The following is an entry in ClinVar:

NM_031844.3(HNRNPU):c.1A>C (p.Met1Leu)

Gene: HNRNPU (heterogeneous nuclear ribonucleoprotein U; minus strand). Cytogenetic location: 1q44.
Variant type: single nucleotide variant.
Coding change: c.1A>C on transcript NM_031844.3 (MANE Select); coding-DNA position 1, A replaced by C.
Protein change: p.Met1Leu; changes the start codon (methionine 1).
Molecular consequence: missense variant, initiator codon variant.
Genome position (GRCh38, 1-based): chr1:244,864,307, T>G on the plus strand (A>C on the coding strand, the complement: HNRNPU is on the minus strand). VCF-style: chr1-244864307-T-G. GRCh37 (hg19) VCF-style: chr1-245027609-T-G.
Other names: c.1A>C, p.Met1Leu (NM_004501.3); short protein forms M1L.
Identifiers: ClinVar variation 2708305 (VCV002708305.3), dbSNP rs546427799, ClinGen allele CA1486880.

ClinVar aggregate classification (germline): Pathogenic (1 of 4 stars; one submission).

Conditions:
Developmental and epileptic encephalopathy, 54. Also called: HNRNPU-Related Neurodevelopmental Disorder; Epileptic encephalopathy, early infantile, 54. Identifiers: MedGen C4479319, MONDO:0033363, OMIM 617391.

Allele frequency attached by ClinVar (database versions not stated): ExAC 0.00001; 1000 Genomes Project 0.00020.

Submission:

Labcorp Genetics (formerly Invitae), Labcorp
Classification: Pathogenic for Developmental and epileptic encephalopathy, 54. Last evaluated: 2024-04-26. Review status: criteria provided, single submitter. Criteria: Invitae Variant Classification Sherloc (09022015). Collection method: clinical testing. Allele origin: germline.
Comment: This sequence change affects the initiator methionine of the HNRNPU mRNA. The next in-frame methionine is located at codon 35. This variant is present in population databases (rs546427799, gnomAD 0.007%). Disruption of the initiator codon has been observed in individual(s) with clinical features of developmental and epileptic encephalopathy (Invitae). In at least one individual the variant was observed to be de novo. For these reasons, this variant has been classified as Pathogenic.